The following is an entry in ClinVar:

ClinVar aggregate classification (germline): Uncertain significance. Review status: criteria provided, multiple submitters, no conflicts (2 of 4 stars). 2 submissions from 2 submitters: Uncertain significance (2). Last evaluated 2024-05-14.

Conditions:
Dilated cardiomyopathy 1G (CMD1G). Identifiers: Orphanet 154, MedGen C1858763, MONDO:0011400, OMIM 604145.
Autosomal recessive limb-girdle muscular dystrophy type 2J (LGMDR10). Also called: MUSCULAR DYSTROPHY, LIMB-GIRDLE, AUTOSOMAL RECESSIVE 10; Limb-girdle muscular dystrophy, type 2J. Identifiers: Orphanet 140922, MedGen C1837342, MONDO:0012127, OMIM 608807.
Myopathy, myofibrillar, 9, with early respiratory failure (MFM9). Also called: Myopathy, distal, with early respiratory failure, autosomal dominant; Hereditary myopathy with early respiratory failure; EDSTROM MYOPATHY; MYOPATHY, PROXIMAL, WITH EARLY RESPIRATORY MUSCLE INVOLVEMENT. Identifiers: Orphanet 178464, Orphanet 34521, MedGen C1863599, MONDO:0011362, OMIM 603689.
Early-onset myopathy with fatal cardiomyopathy (CMYO5). Also called: CONGENITAL MYOPATHY 5 WITH CARDIOMYOPATHY; Salih Myopathy. Identifiers: Orphanet 289377, MedGen C2673677, MONDO:0012714, OMIM 611705. Disease mechanism: loss of function.
Tibial muscular dystrophy (TMD). Also called: Tibial muscular dystrophy, tardive; UDD MYOPATHY; Udd Distal Myopathy – Tibial Muscular Dystrophy. Identifiers: Orphanet 609, MedGen C1838244, MONDO:0010870, OMIM 600334.
Hypertrophic cardiomyopathy 9. Also called: Familial hypertrophic cardiomyopathy 9. Identifiers: MedGen C1861065, MONDO:0013412, OMIM 613765.

gnomAD v4.1: 1 of 1,603,242 alleles (0.000062%); no homozygotes.

Submissions (2):

Fulgent Genetics
Classification: Uncertain significance for Tibial muscular dystrophy; Myopathy, myofibrillar, 9, with early respiratory failure; Dilated cardiomyopathy 1G; Autosomal recessive limb-girdle muscular dystrophy type 2J; Early-onset myopathy with fatal cardiomyopathy; Hypertrophic cardiomyopathy 9. Last evaluated: 2024-05-14. Review status: criteria provided, single submitter. Criteria: ACMG Guidelines, 2015. Collection method: clinical testing. Allele origin: germline.

GeneDx
Classification: Uncertain significance. Last evaluated: 2024-02-08. Review status: criteria provided, single submitter. Criteria: GeneDx Variant Classification Process June 2021. Collection method: clinical testing. Allele origin: germline. Affected: yes.
Comment: Not observed at significant frequency in large population cohorts (gnomAD); Missense variant in a gene in which most reported pathogenic variants are truncating/loss of function; Has not been previously published as pathogenic or benign to our knowledge

NM_001267550.2(TTN):c.41321T>A (p.Val13774Asp)

Gene: TTN (titin; minus strand). Cytogenetic location: 2q31.2.
Variant type: single nucleotide variant.
Coding change: c.41321T>A on transcript NM_001267550.2 (MANE Select); coding-DNA position 41321, T replaced by A.
Protein change: p.Val13774Asp; replaces valine 13774 with aspartic acid.
Molecular consequence: missense variant.
Genome position (GRCh38, 1-based): chr2:178,636,406, A>T on the plus strand (T>A on the coding strand, the complement: TTN is on the minus strand). VCF-style: chr2-178636406-A-T. GRCh37 (hg19) VCF-style: chr2-179501133-A-T.
Other names: c.36398T>A, p.Val12133Asp (NM_001256850.1); c.14126T>A, p.Val4709Asp (NM_003319.4); c.33617T>A, p.Val11206Asp (NM_133378.4); c.14501T>A, p.Val4834Asp (NM_133432.3); c.14702T>A, p.Val4901Asp (NM_133437.4); short protein forms V11206D, V12133D, V13774D, V4709D, V4834D, V4901D.
Identifiers: ClinVar variation 3368896 (VCV003368896.2).